The following is an entry in ClinVar:

ClinVar aggregate classification (germline): Uncertain significance (1 of 4 stars; one submission).

Conditions:
CREBBP-related disorder. Also called: CREBBP-related disorders; CREBBP-related condition.

Submission:

PreventionGenetics, part of Exact Sciences
Classification: Uncertain significance for CREBBP-related condition. Last evaluated: 2026-01-28. Review status: criteria provided, single submitter. Criteria: ACMG Guidelines, 2015. Collection method: clinical testing. Allele origin: germline.
Comment: The CREBBP c.4223G>T variant is predicted to result in the amino acid substitution p.Cys1408Phe. To our knowledge, this variant has not been reported in the literature or in a large population database, indicating this variant is rare. A different variant affecting the same amino acid (p.Cys1408Trp) has been reported as having arisen de novo in at least one patient with developmental disorder (Table S2, Turner et al. 2019. PubMed ID: 31785789). Although we suspect that the c.4223G>T (p.Cys1408Phe) variant may be pathogenic, at this time, the clinical significance of this variant is uncertain due to the absence of conclusive functional and genetic evidence.

NM_004380.3(CREBBP):c.4223G>T (p.Cys1408Phe)

Gene: CREBBP (CREB binding lysine acetyltransferase; minus strand). Cytogenetic location: 16p13.3.
Variant type: single nucleotide variant.
Coding change: c.4223G>T on transcript NM_004380.3 (MANE Select); coding-DNA position 4223, G replaced by T.
Protein change: p.Cys1408Phe; replaces cysteine 1408 with phenylalanine.
Molecular consequence: missense variant.
Genome position (GRCh38, 1-based): chr16:3,739,635, C>A on the plus strand (G>T on the coding strand, the complement: CREBBP is on the minus strand). VCF-style: chr16-3739635-C-A. GRCh37 (hg19) VCF-style: chr16-3789636-C-A.
Other names: c.4109G>T, p.Cys1370Phe (NM_001079846.1); short protein forms C1370F, C1408F.
Identifiers: ClinVar variation 3346333 (VCV003346333.2).
Genomic context (GRCh38, chr16:3,739,635, plus strand): 5'-TACCTCGTGTTTGGAGGGGGGCAATCAGAGCCGTATTCTTGGACGTGCATTCCAAAAAAG[C>A]AGACATCCACGCCGTCAATTTCCTCAAAAGCAAACAGAGCTTTGGTTCGATATGGGAAAG-3'
Protein context (NP_004371.2, residues 1398-1418): AFEEIDGVDV[Cys1408Phe]FFGMHVQEYG